The following is an entry in ClinVar:

NM_001290060.2(SEMA3B):c.500A>G (p.Lys167Arg)

Gene: SEMA3B (semaphorin 3B; plus strand). Cytogenetic location: 3p21.31.
Variant type: single nucleotide variant.
Coding change: c.500A>G on transcript NM_001290060.2 (MANE Select); coding-DNA position 500, A replaced by G.
Protein change: p.Lys167Arg; replaces lysine 167 with arginine.
Molecular consequence: missense variant.
Genome position (GRCh38, 1-based): chr3:50,271,137, A>G. VCF-style: chr3-50271137-A-G. GRCh37 (hg19) VCF-style: chr3-50308568-A-G.
Other names: c.500A>G, p.Lys167Arg (NM_001005914.3, NM_001290061.1, NM_004636.4); short protein forms K167R.
Identifiers: ClinVar variation 3035217 (VCV003035217.3), dbSNP rs199655493, ClinGen allele CA2413783.

ClinVar aggregate classification (germline): Uncertain significance (1 of 4 stars; one submission).

Conditions:
SEMA3B-related disorder. Also called: SEMA3B-related condition.

Allele frequency attached by ClinVar (database versions not stated): gnomAD 0.00016; TOPMed 0.00018; ExAC 0.00020; gnomAD exomes 0.00029; ESP Exome Variant Server 0.00032.

Submission:

PreventionGenetics, part of Exact Sciences
Classification: Uncertain significance for SEMA3B-related condition. Last evaluated: 2026-06-01. Review status: criteria provided, single submitter. Criteria: ACMG Guidelines, 2015. Collection method: clinical testing. Allele origin: germline.
Comment: The SEMA3B c.500A>G variant is predicted to result in the amino acid substitution p.Lys167Arg. To our knowledge, this variant has not been reported in the literature. This variant is reported in 0.023% of alleles in individuals of European (Non-Finnish) descent in gnomAD. At this time, the clinical significance of this variant is uncertain due to the absence of conclusive functional and genetic evidence.